The following is an entry in ClinVar:

ClinVar aggregate classification (germline): Uncertain significance. Review status: criteria provided, multiple submitters, no conflicts (2 of 4 stars). 2 submissions from 2 submitters: Uncertain significance (2). Last evaluated 2025-09-26.

Allele frequency attached by ClinVar (database versions not stated): TOPMed 0.00001; ExAC 0.00003; gnomAD 0.00003.
gnomAD v4.1: 45 of 1,614,106 alleles (0.0028%); highest among the groups gnomAD compares: Middle Eastern, 0.033%; no homozygotes.

Submissions (2):

Ambry Genetics
Classification: Uncertain significance. Last evaluated: 2025-09-26. Review status: criteria provided, single submitter. Criteria: Ambry Variant Classification Scheme 2023. Collection method: clinical testing. Allele origin: germline.

Labcorp Genetics (formerly Invitae), Labcorp
Classification: Uncertain significance. Last evaluated: 2024-08-17. Review status: criteria provided, single submitter. Criteria: Invitae Variant Classification Sherloc (09022015). Collection method: clinical testing. Allele origin: germline.
Comment: This sequence change replaces arginine, which is basic and polar, with histidine, which is basic and polar, at codon 561 of the RNF31 protein (p.Arg561His). This variant is present in population databases (rs761884810, gnomAD 0.02%). This variant has not been reported in the literature in individuals affected with RNF31-related conditions. ClinVar contains an entry for this variant (Variation ID: 1905256). An algorithm developed to predict the effect of missense changes on protein structure and function (PolyPhen-2) suggests that this variant is likely to be disruptive. In summary, the available evidence is currently insufficient to determine the role of this variant in disease. Therefore, it has been classified as a Variant of Uncertain Significance.

NM_017999.5(RNF31):c.1682G>A (p.Arg561His)

Gene: RNF31 (ring finger protein 31; plus strand). Cytogenetic location: 14q12.
Variant type: single nucleotide variant.
Coding change: c.1682G>A on transcript NM_017999.5 (MANE Select); coding-DNA position 1682, G replaced by A.
Protein change: p.Arg561His; replaces arginine 561 with histidine.
Molecular consequence: missense variant.
Genome position (GRCh38, 1-based): chr14:24,151,324, G>A. VCF-style: chr14-24151324-G-A. GRCh37 (hg19) VCF-style: chr14-24620533-G-A.
Other names: c.1682G>A (NM_017999.4); c.1229G>A, p.Arg410His (NM_001310332.2); short protein forms R561H, R410H.
Identifiers: ClinVar variation 1905256 (VCV001905256.6), dbSNP rs761884810, ClinGen allele CA7125844.
Genomic context (GRCh38, chr14:24,151,324, plus strand): 5'-AGCAGGACCCTGGGCTGGGTGCCTTTTCCTGTCAGGAGGCCCGGAGAGCCTGGCTGGATC[G>A]TCATGGCAACCTTGATGAAGCTGTGGAGGAGTGTGTGAGGACCAGGCGAAGGAAGGTATC-3'
Protein context (NP_060469.4, residues 551-571): CQEARRAWLD[Arg561His]HGNLDEAVEE